The following is an entry in ClinVar:

NM_144658.4(DOCK11):c.1096C>T (p.Arg366Cys)

Gene: DOCK11 (dedicator of cytokinesis 11; plus strand). Cytogenetic location: Xq24.
Variant type: single nucleotide variant.
Coding change: c.1096C>T on transcript NM_144658.4 (MANE Select); coding-DNA position 1096, C replaced by T.
Protein change: p.Arg366Cys; replaces arginine 366 with cysteine.
Molecular consequence: missense variant.
Genome position (GRCh38, 1-based): chrX:118,572,383, C>T. VCF-style: chrX-118572383-C-T. GRCh37 (hg19) VCF-style: chrX-117706346-C-T.
Other names: short protein forms R366C.
Identifiers: ClinVar variation 5008853 (VCV005008853.1).

ClinVar aggregate classification (germline): Uncertain significance (1 of 4 stars; one submission).

gnomAD v4.1: 4 of 1,203,315 alleles (0.00033%); highest among the groups gnomAD compares: Middle Eastern, 0.023%; no homozygotes.

Submission:

GeneDx
Classification: Uncertain significance. Last evaluated: 2026-03-12. Review status: criteria provided, single submitter. Criteria: GeneDx Variant Classification Process June 2021. Collection method: clinical testing. Allele origin: germline.
Comment: Not observed at significant frequency in large population cohorts (gnomAD); In silico analysis supports that this missense variant has a deleterious effect on protein structure/function; Has not been previously published as pathogenic or benign to our knowledge